The following is an entry in ClinVar:

NM_003737.4(DCHS1):c.6496G>A (p.Asp2166Asn)

Gene: DCHS1 (dachsous cadherin-related 1; minus strand). Cytogenetic location: 11p15.4.
Variant type: single nucleotide variant.
Coding change: c.6496G>A on transcript NM_003737.4 (MANE Select); coding-DNA position 6496, G replaced by A.
Protein change: p.Asp2166Asn; replaces aspartic acid 2166 with asparagine.
Molecular consequence: missense variant.
Genome position (GRCh38, 1-based): chr11:6,626,249, C>T on the plus strand (G>A on the coding strand, the complement: DCHS1 is on the minus strand). VCF-style: chr11-6626249-C-T. GRCh37 (hg19) VCF-style: chr11-6647480-C-T.
Other names: short protein forms D2166N.
Identifiers: ClinVar variation 2814217 (VCV002814217.3), dbSNP rs1276862258, ClinGen allele CA379388006.

ClinVar aggregate classification (germline): Uncertain significance (1 of 4 stars; one submission).

gnomAD v4.1: 3 of 1,612,588 alleles (0.00019%); highest among the groups gnomAD compares: Non-Finnish European, 0.00025%; no homozygotes.

Submission:

Labcorp Genetics (formerly Invitae), Labcorp
Classification: Uncertain significance. Last evaluated: 2022-11-14. Review status: criteria provided, single submitter. Criteria: Invitae Variant Classification Sherloc (09022015). Collection method: clinical testing. Allele origin: germline.
Comment: In summary, the available evidence is currently insufficient to determine the role of this variant in disease. Therefore, it has been classified as a Variant of Uncertain Significance. This sequence change replaces aspartic acid, which is acidic and polar, with asparagine, which is neutral and polar, at codon 2166 of the DCHS1 protein (p.Asp2166Asn). This variant is present in population databases (no rsID available, gnomAD 0.0009%). This variant has not been reported in the literature in individuals affected with DCHS1-related conditions. Advanced modeling of protein sequence and biophysical properties (such as structural, functional, and spatial information, amino acid conservation, physicochemical variation, residue mobility, and thermodynamic stability) has been performed at Invitae for this missense variant, however the output from this modeling did not meet the statistical confidence thresholds required to predict the impact of this variant on DCHS1 protein function.